The following is an entry in ClinVar:

NM_017866.6(TMEM70):c.106G>A (p.Val36Ile)

Gene: TMEM70 (transmembrane protein 70; plus strand). Cytogenetic location: 8q21.11.
Variant type: single nucleotide variant.
Coding change: c.106G>A on transcript NM_017866.6 (MANE Select); coding-DNA position 106, G replaced by A.
Protein change: p.Val36Ile; replaces valine 36 with isoleucine.
Molecular consequence: missense variant. On other transcripts: non-coding transcript variant (1).
Genome position (GRCh38, 1-based): chr8:73,976,387, G>A. VCF-style: chr8-73976387-G-A. GRCh37 (hg19) VCF-style: chr8-74888622-G-A.
Other names: c.106G>A, p.Val36Ile (NM_001040613.3); short protein forms V36I.
Identifiers: ClinVar variation 1979649 (VCV001979649.4), dbSNP rs1815646967, ClinGen allele CA371489266.

ClinVar aggregate classification (germline): Uncertain significance (1 of 4 stars; one submission).

Conditions:
Mitochondrial complex V (ATP synthase) deficiency, nuclear type 2. Also called: Nuclear-Encoded ATPase Deficiency, TMEM70-Related; ENCEPHALOCARDIOMYOPATHY, MITOCHONDRIAL, NEONATAL, DUE TO ATP SYNTHASE DEFICIENCY; MITOCHONDRIAL COMPLEX V (ATP SYNTHASE) DEFICIENCY, TMEM70 TYPE. Identifiers: Orphanet 1194, MedGen C3279699, MONDO:0013546, OMIM 614052.

Allele frequency attached by ClinVar (database versions not stated): gnomAD exomes below 0.00001; TOPMed below 0.00001.
gnomAD v4.1: 1 of 1,593,460 alleles (0.000063%); highest among the groups gnomAD compares: Non-Finnish European, 0.000085%; no homozygotes.

Submission:

Labcorp Genetics (formerly Invitae), Labcorp
Classification: Uncertain significance for Mitochondrial complex V (ATP synthase) deficiency, nuclear type 2. Last evaluated: 2022-08-20. Review status: criteria provided, single submitter. Criteria: Invitae Variant Classification Sherloc (09022015). Collection method: clinical testing. Allele origin: germline.
Comment: Algorithms developed to predict the effect of missense changes on protein structure and function (SIFT, PolyPhen-2, Align-GVGD) all suggest that this variant is likely to be tolerated. In summary, the available evidence is currently insufficient to determine the role of this variant in disease. Therefore, it has been classified as a Variant of Uncertain Significance. This variant has not been reported in the literature in individuals affected with TMEM70-related conditions. This variant is not present in population databases (gnomAD no frequency). This sequence change replaces valine, which is neutral and non-polar, with isoleucine, which is neutral and non-polar, at codon 36 of the TMEM70 protein (p.Val36Ile).